The following is an entry in ClinVar:

NM_005221.6(DLX5):c.138C>A (p.Asp46Glu)

Gene: DLX5 (distal-less homeobox 5; minus strand). Cytogenetic location: 7q21.3.
Variant type: single nucleotide variant.
Coding change: c.138C>A on transcript NM_005221.6 (MANE Select); coding-DNA position 138, C replaced by A.
Protein change: p.Asp46Glu; replaces aspartic acid 46 with glutamic acid.
Molecular consequence: missense variant.
Genome position (GRCh38, 1-based): chr7:97,024,486, G>T on the plus strand (C>A on the coding strand, the complement: DLX5 is on the minus strand). VCF-style: chr7-97024486-G-T. GRCh37 (hg19) VCF-style: chr7-96653798-G-T.
Other names: short protein forms D46E.
Identifiers: ClinVar variation 3713873 (VCV003713873.3).

ClinVar aggregate classification (germline): Uncertain significance. Review status: criteria provided, multiple submitters, no conflicts (2 of 4 stars). 2 submissions from 2 submitters: Uncertain significance (2). Last evaluated 2025-02-15.

Submissions (2):

Labcorp Genetics (formerly Invitae), Labcorp
Classification: Uncertain significance. Last evaluated: 2025-02-15. Review status: criteria provided, single submitter. Criteria: Invitae Variant Classification Sherloc (09022015). Collection method: clinical testing. Allele origin: germline.
Comment: This sequence change replaces aspartic acid, which is acidic and polar, with glutamic acid, which is acidic and polar, at codon 46 of the DLX5 protein (p.Asp46Glu). This variant is present in population databases (rs370973096, gnomAD 0.006%). This variant has not been reported in the literature in individuals affected with DLX5-related conditions. Invitae Evidence Modeling of protein sequence and biophysical properties (such as structural, functional, and spatial information, amino acid conservation, physicochemical variation, residue mobility, and thermodynamic stability) indicates that this missense variant is not expected to disrupt DLX5 protein function with a negative predictive value of 80%. In summary, the available evidence is currently insufficient to determine the role of this variant in disease. Therefore, it has been classified as a Variant of Uncertain Significance.

Blueprint Genetics
Classification: Uncertain significance. Last evaluated: 2020-08-05. Review status: criteria provided, single submitter. Criteria: ACMG Guidelines, 2015. Collection method: clinical testing. Allele origin: germline.